The following is an entry in ClinVar:

ClinVar aggregate classification (germline): Pathogenic (1 of 4 stars; one submission).

Conditions:
Familial hypobetalipoproteinemia 1. Also called: APOB-Related Familial Hypobetalipoproteinemia; Hypobetalipoproteinemia, normotriglyceridemic; Acanthocytosis with hypobetalipoproteinemia. Identifiers: MedGen C4551990, MONDO:0014252, OMIM 615558.
Hypercholesterolemia, autosomal dominant, type B (FHCL2). Also called: Familial Hypercholesterolemia Type B; APOLIPOPROTEIN B-100, FAMILIAL DEFECTIVE; APOLIPOPROTEIN B-100, FAMILIAL LIGAND-DEFECTIVE; APOB-Related Familial Hypercholesterolemia, Autosomal Dominant; Familial hypercholesterolemia 2; Hyperlipoproteinemia Type IIb. Identifiers: MedGen C1704417, MONDO:0007751, OMIM 144010.

Submission:

Labcorp Genetics (formerly Invitae), Labcorp
Classification: Pathogenic for Familial hypobetalipoproteinemia 1; Hypercholesterolemia, autosomal dominant, type B. Last evaluated: 2019-07-04. Review status: criteria provided, single submitter. Criteria: Invitae Variant Classification Sherloc (09022015). Collection method: clinical testing. Allele origin: germline.
Comment: This sequence change creates a premature translational stop signal (p.Leu2468Argfs*3) in the APOB gene. It is expected to result in an absent or disrupted protein product. This variant is not present in population databases (ExAC no frequency). This variant has not been reported in the literature in individuals with APOB-related conditions. Loss-of-function variants in APOB are known to be pathogenic in the context of hypobetalipoproteinemia (PMID: 17570373, 22855658). For these reasons, this variant has been classified as Pathogenic.

Literature cited by the submitters: PubMed 17570373; PubMed 22855658.

NM_000384.3(APOB):c.7403del (p.Leu2468fs)

Gene: APOB (apolipoprotein B; minus strand). Cytogenetic location: 2p24.1.
Variant type: Deletion.
Coding change: c.7403del on transcript NM_000384.3 (MANE Select); coding-DNA position 7403, one base deleted (T; older notation c.7403delT).
Protein change: p.Leu2468fs; shifts the reading frame from leucine 2468.
Molecular consequence: frameshift variant.
Genome position (GRCh38, 1-based): chr2:21,009,465, A deleted on the plus strand (T on the coding strand, the reverse complement: APOB is on the minus strand). VCF-style (leftmost placement, unchanged base first): chr2-21009464-CA-C. GRCh37 (hg19) VCF-style: chr2-21232336-CA-C.
Other names: short protein forms L2468fs.
Identifiers: ClinVar variation 950577 (VCV000950577.10), dbSNP rs1663245097, ClinGen allele CA1139655594.